The following is an entry in ClinVar:

NM_000368.5(TSC1):c.273G>C (p.Ser91=)

Gene: TSC1 (TSC complex subunit 1; minus strand). Cytogenetic location: 9q34.13.
Variant type: single nucleotide variant.
Coding change: c.273G>C on transcript NM_000368.5 (MANE Select); coding-DNA position 273, G replaced by C.
Protein change: p.Ser91=; no amino-acid change (serine 91 retained).
Molecular consequence: synonymous variant. On other transcripts: 5 prime UTR variant (1), intron variant (1).
Genome position (GRCh38, 1-based): chr9:132,925,677, C>G on the plus strand (G>C on the coding strand, the complement: TSC1 is on the minus strand). VCF-style: chr9-132925677-C-G. GRCh37 (hg19) VCF-style: chr9-135801064-C-G.
Other names: c.273G>C, p.Ser91= (NM_001162426.2); c.-91G>C (NM_001362177.2); c.210+1524G>C (NM_001162427.2).
Identifiers: ClinVar variation 534491 (VCV000534491.14), dbSNP rs115097221, ClinGen allele CA467594201.

ClinVar aggregate classification (germline): Benign/Likely benign. Review status: criteria provided, multiple submitters, no conflicts (2 of 4 stars). 4 submissions from 4 submitters: Benign (1); Likely benign (3). Last evaluated 2025-07-05.

Conditions:
Hereditary cancer-predisposing syndrome. Also called: Neoplastic Syndromes, Hereditary; Hereditary neoplastic syndrome; Tumor predisposition; Hereditary Cancer Syndrome. Identifiers: Orphanet 140162, MedGen C0027672, MeSH D009386, MONDO:0015356.
Tuberous sclerosis syndrome (TSC). Also called: Tuberous Sclerosis Complex; Tuberous sclerosis. Identifiers: Orphanet 805, MedGen C0041341, MONDO:0001734.
Tuberous sclerosis 1 (TSC1). Identifiers: Orphanet 805, MedGen C1854465, MONDO:0008612, OMIM 191100.

Allele frequency attached by ClinVar (database versions not stated): TOPMed 0.00001.
gnomAD v4.1: 1 of 1,614,036 alleles (0.000062%); highest among the groups gnomAD compares: Non-Finnish European, 0.000085%; no homozygotes.

Submissions (4):

Labcorp Genetics (formerly Invitae), Labcorp
Classification: Likely benign for Tuberous sclerosis 1. Last evaluated: 2025-07-05. Review status: criteria provided, single submitter. Criteria: Invitae Variant Classification Sherloc (09022015). Collection method: clinical testing. Allele origin: germline.

Color Diagnostics, LLC DBA Color Health
Classification: Likely benign for Tuberous sclerosis syndrome. Last evaluated: 2025-05-12. Review status: criteria provided, single submitter. Criteria: ACMG Guidelines, 2015. Collection method: clinical testing. Allele origin: germline.

Myriad Genetics, Inc.
Classification: Benign for Tuberous sclerosis 1. Last evaluated: 2025-04-08. Review status: criteria provided, single submitter. Criteria: Myriad Autosomal Dominant, Autosomal Recessive and X-Linked Classification Criteria (2023). Collection method: clinical testing. Allele origin: unknown.
Comment: This variant is considered benign. This variant is a silent/synonymous amino acid change and it is not expected to impact splicing.

Ambry Genetics
Classification: Likely benign for Hereditary cancer-predisposing syndrome. Last evaluated: 2020-07-27. Review status: criteria provided, single submitter. Criteria: Ambry Variant Classification Scheme 2023. Collection method: clinical testing. Allele origin: germline.